The following is an entry in ClinVar:

NM_134444.5(NLRP4):c.2178A>G (p.Lys726=)

Gene: NLRP4 (NLR family pyrin domain containing 4; plus strand). Cytogenetic location: 19q13.43.
Variant type: single nucleotide variant.
Coding change: c.2178A>G on transcript NM_134444.5 (MANE Select); coding-DNA position 2178, A replaced by G.
Protein change: p.Lys726=; no amino-acid change (lysine 726 retained).
Molecular consequence: synonymous variant.
Genome position (GRCh38, 1-based): chr19:55,862,151, A>G. VCF-style: chr19-55862151-A-G. GRCh37 (hg19) VCF-style: chr19-56373517-A-G.
Identifiers: ClinVar variation 103222 (VCV000103222.2), dbSNP rs199475751, ClinGen allele CA230277.

ClinVar aggregate classification (germline): not provided (0 of 4 stars; one submission).

Submission:

Human Evolutionary Genetics, Institut Pasteur
No classification provided. Review status: no classification provided. Collection method: not provided. Allele origin: germline.
ClinVar note: Converted during submission from untested to not provided.